The following is an entry in ClinVar:

NM_000051.4(ATM):c.3411_3417del (p.Ser1137fs)

Gene: ATM (ATM serine/threonine kinase; plus strand). Cytogenetic location: 11q22.3.
Variant type: Deletion.
Coding change: c.3411_3417del on transcript NM_000051.4 (MANE Select); coding-DNA positions 3411 to 3417, 7 bases deleted (TGCTGAG; older notation c.3411_3417delTGCTGAG).
Protein change: p.Ser1137fs; shifts the reading frame from serine 1137.
Molecular consequence: frameshift variant.
Genome position (GRCh38, 1-based): chr11:108,281,003-108,281,009, TGCTGAG deleted; deleting any 7 consecutive bases within chr11:108,281,001-108,281,009 gives the same sequence; the c. name uses the placement nearest the transcript's 3' end. VCF-style (leftmost placement, unchanged base first): chr11-108281000-TAGTGCTG-T. GRCh37 (hg19) VCF-style: chr11-108151727-TAGTGCTG-T.
Other names: c.3411_3417del, p.Ser1137fs (NM_001351834.2); short protein forms S1137fs.
Identifiers: ClinVar variation 4085962 (VCV004085962.8).

ClinVar aggregate classification (germline): Pathogenic (1 of 4 stars; one submission).

Submission:

CeGaT Center for Human Genetics Tuebingen
Classification: Pathogenic. Last evaluated: 2025-08-01. Review status: criteria provided, single submitter. Criteria: CeGaT Center For Human Genetics Tuebingen Variant Classification Criteria Version 2. Collection method: clinical testing. Allele origin: germline. Affected: yes. Observed: 1 variant allele.
Comment: ATM: PVS1, PM2, PM3:Supporting